The following is an entry in ClinVar:

NM_000318.3(PEX2):c.39_40del (p.Arg13fs)

Gene: PEX2 (peroxisomal biogenesis factor 2; minus strand). Cytogenetic location: 8q21.13.
Variant type: Microsatellite.
Coding change: c.39_40del on transcript NM_000318.3 (MANE Select); coding-DNA positions 39 to 40, 2 bases deleted (AG; older notation c.39_40delAG).
Protein change: p.Arg13fs; shifts the reading frame from arginine 13.
Molecular consequence: frameshift variant.
Genome position (GRCh38, 1-based): chr8:76,984,139-76,984,140, CT deleted on the plus strand (AG on the coding strand, the reverse complement: PEX2 is on the minus strand); deleting any 2 consecutive bases within chr8:76,984,139-76,984,142 gives the same sequence; the c. name uses the placement nearest the transcript's 3' end. VCF-style (leftmost placement, unchanged base first): chr8-76984138-ACT-A. GRCh37 (hg19) VCF-style: chr8-77896374-ACT-A.
Other names: c.39_40del, p.Arg13fs (NM_001079867.2, NM_001172086.2, NM_001172087.2); short protein forms R13fs.
Identifiers: ClinVar variation 2070891 (VCV002070891.4), dbSNP rs2487454016, ClinGen allele CA2580617184.

ClinVar aggregate classification (germline): Pathogenic (1 of 4 stars; one submission).

Conditions:
Peroxisome biogenesis disorder 5A (Zellweger) (PBD5A). Identifiers: Orphanet 912, MedGen C3553940, MONDO:0013932, OMIM 614866.

Submission:

Labcorp Genetics (formerly Invitae), Labcorp
Classification: Pathogenic for Peroxisome biogenesis disorder 5A (Zellweger). Last evaluated: 2025-10-23. Review status: criteria provided, single submitter. Criteria: Invitae Variant Classification Sherloc (09022015). Collection method: clinical testing. Allele origin: germline.
Comment: This sequence change creates a premature translational stop signal (p.Arg13Serfs*11) in the PEX2 gene. While this is not anticipated to result in nonsense mediated decay, it is expected to disrupt the last 293 amino acid(s) of the PEX2 protein. This variant is not present in population databases (gnomAD no frequency). This variant has not been reported in the literature in individuals affected with PEX2-related conditions. This variant disrupts a region of the PEX2 protein in which other variant(s) (p.Met191*) have been determined to be pathogenic (internal data). This suggests that this is a clinically significant region of the protein, and that variants that disrupt it are likely to be disease-causing. For these reasons, this variant has been classified as Pathogenic.